The following is an entry in ClinVar:

NM_001776.6(ENTPD1):c.146A>G (p.Tyr49Cys)

Genes: ENTPD1 (ectonucleoside triphosphate diphosphohydrolase 1; plus strand), ENTPD1-AS1 (ENTPD1 antisense RNA 1; minus strand). Cytogenetic location: 10q24.1.
Variant type: single nucleotide variant.
Coding change: c.146A>G on transcript NM_001776.6 (MANE Select); coding-DNA position 146, A replaced by G.
Protein change: p.Tyr49Cys; replaces tyrosine 49 with cysteine.
Molecular consequence: missense variant. On other transcripts: 5 prime UTR variant (3), intron variant (1).
Genome position (GRCh38, 1-based): chr10:95,839,692, A>G. VCF-style: chr10-95839692-A-G. GRCh37 (hg19) VCF-style: chr10-97599449-A-G.
Other names: c.167A>G, p.Tyr56Cys (NM_001098175.2); c.182A>G, p.Tyr61Cys (NM_001164178.1, NM_001320916.1); c.146A>G, p.Tyr49Cys (NM_001164179.2); c.-179A>G (NM_001164181.1, NM_001312654.1); c.-118A>G (NM_001164182.2); c.-1-4784A>G (NM_001164183.2); short protein forms Y49C, Y61C, Y56C.
Identifiers: ClinVar variation 2409839 (VCV002409839.3), dbSNP rs2494328715, ClinGen allele CA377821945.

ClinVar aggregate classification (germline): Conflicting classifications of pathogenicity. Review status: criteria provided, conflicting classifications (1 of 4 stars). 2 submissions from 2 submitters: Likely pathogenic (1); Uncertain significance (1). Last evaluated 2024-09-05.

Conditions:
Inborn genetic diseases. Identifiers: MedGen C0950123, MeSH D030342.

Submissions (2):

GeneDx
Classification: Likely pathogenic. Last evaluated: 2024-09-05. Review status: criteria provided, single submitter. Criteria: GeneDx Variant Classification Process June 2021. Collection method: clinical testing. Allele origin: germline. Affected: yes.
Comment: Not observed at significant frequency in large population cohorts (gnomAD); In silico analysis supports that this missense variant has a deleterious effect on protein structure/function; This variant is associated with the following publications: (PMID: 35471564)

Ambry Genetics
Classification: Uncertain significance for Inborn genetic diseases. Last evaluated: 2021-08-13. Review status: criteria provided, single submitter. Criteria: Ambry Variant Classification Scheme 2023. Collection method: clinical testing. Allele origin: germline.